The following is an entry in ClinVar:

NM_000501.4(ELN):c.1702G>A (p.Val568Ile)

Genes: ELN (elastin; plus strand), ELN-AS1 (ELN antisense RNA 1; minus strand). Cytogenetic location: 7q11.23.
Variant type: single nucleotide variant.
Coding change: c.1702G>A on transcript NM_000501.4 (MANE Select); coding-DNA position 1702, G replaced by A.
Protein change: p.Val568Ile; replaces valine 568 with isoleucine.
Molecular consequence: missense variant.
Genome position (GRCh38, 1-based): chr7:74,060,456, G>A. VCF-style: chr7-74060456-G-A. GRCh37 (hg19) VCF-style: chr7-73474786-G-A.
Other names: c.1615G>A, p.Val539Ile (NM_001081752.3); c.1660G>A, p.Val554Ile (NM_001081753.3); c.1717G>A, p.Val573Ile (NM_001081754.3); c.1645G>A, p.Val549Ile (NM_001081755.3); c.1702G>A, p.Val568Ile (NM_001278912.2); c.1459G>A, p.Val487Ile (NM_001278913.2); c.1630G>A, p.Val544Ile (NM_001278914.2); c.1720G>A, p.Val574Ile (NM_001278915.2); and 5 more; short protein forms V568I, V597I, V539I, V479I, V544I, V558I, V487I, V520I.
Identifiers: ClinVar variation 524223 (VCV000524223.2), dbSNP rs1554683612, ClinGen allele CA367886745.

ClinVar aggregate classification (germline): Uncertain significance. Review status: criteria provided, multiple submitters, no conflicts (2 of 4 stars). 2 submissions from 2 submitters: Uncertain significance (2). Last evaluated 2024-11-25.

Conditions:
Supravalvar aortic stenosis (SVAS). Also called: Supravalvar aortic stenosis, Eisenberg type. Identifiers: Orphanet 3193, MedGen C0003499, MONDO:0008504, OMIM 185500, HP:0004381.
Inborn genetic diseases. Identifiers: MedGen C0950123, MeSH D030342.

Allele frequency attached by ClinVar (database versions not stated): gnomAD exomes below 0.00001.
gnomAD v4.1: 1 of 1,613,786 alleles (0.000062%); highest among the groups gnomAD compares: Non-Finnish European, 0.000085%; no homozygotes.

Submissions (2):

Ambry Genetics
Classification: Uncertain significance for Inborn genetic diseases. Last evaluated: 2024-11-25. Review status: criteria provided, single submitter. Criteria: Ambry Variant Classification Scheme 2023. Collection method: clinical testing. Allele origin: germline.

Labcorp Genetics (formerly Invitae), Labcorp
Classification: Uncertain significance for Supravalvar aortic stenosis. Last evaluated: 2017-11-13. Review status: criteria provided, single submitter. Criteria: Invitae Variant Classification Sherloc (09022015). Collection method: clinical testing. Allele origin: germline.
Comment: This sequence change replaces valine with isoleucine at codon 597 of the ELN protein (p.Val597Ile). The valine residue is weakly conserved and there is a small physicochemical difference between valine and isoleucine. This variant is not present in population databases (ExAC no frequency). This variant has not been reported in the literature in individuals with ELN-related disease. Algorithms developed to predict the effect of missense changes on protein structure and function output the following: SIFT: "Tolerated"; PolyPhen-2: "Benign"; Align-GVGD: "Class C0". The isoleucine amino acid residue is found in multiple mammalian species, suggesting that this missense change does not adversely affect protein function. These predictions have not been confirmed by published functional studies and their clinical significance is uncertain. In summary, the available evidence is currently insufficient to determine the role of this variant in disease. Therefore, it has been classified as a Variant of Uncertain Significance.